The following is an entry in ClinVar:

ClinVar aggregate classification (germline): Uncertain significance (1 of 4 stars; one submission).

Allele frequency attached by ClinVar (database versions not stated): gnomAD exomes below 0.00001; TOPMed 0.00001.
gnomAD v4.1: 2 of 1,614,244 alleles (0.00012%); highest among the groups gnomAD compares: Non-Finnish European, 0.00017%; no homozygotes.

Submission:

Labcorp Genetics (formerly Invitae), Labcorp
Classification: Uncertain significance. Last evaluated: 2020-08-06. Review status: criteria provided, single submitter. Criteria: Invitae Variant Classification Sherloc (09022015). Collection method: clinical testing. Allele origin: germline.
Comment: In summary, the available evidence is currently insufficient to determine the role of this variant in disease. Therefore, it has been classified as a Variant of Uncertain Significance. Algorithms developed to predict the effect of missense changes on protein structure and function (SIFT, PolyPhen-2, Align-GVGD) all suggest that this variant is likely to be disruptive, but these predictions have not been confirmed by published functional studies and their clinical significance is uncertain. This variant has not been reported in the literature in individuals with SZT2-related conditions. This variant is not present in population databases (ExAC no frequency). This sequence change replaces arginine with cysteine at codon 1165 of the SZT2 protein (p.Arg1165Cys). The arginine residue is highly conserved and there is a large physicochemical difference between arginine and cysteine.

NM_001365999.1(SZT2):c.3664C>T (p.Arg1222Cys)

Gene: SZT2 (SZT2 subunit of KICSTOR complex; plus strand). Cytogenetic location: 1p34.2.
Variant type: single nucleotide variant.
Coding change: c.3664C>T on transcript NM_001365999.1 (MANE Select); coding-DNA position 3664, C replaced by T.
Protein change: p.Arg1222Cys; replaces arginine 1222 with cysteine.
Molecular consequence: missense variant.
Genome position (GRCh38, 1-based): chr1:43,427,595, C>T. VCF-style: chr1-43427595-C-T. GRCh37 (hg19) VCF-style: chr1-43893266-C-T.
Other names: c.3493C>T, p.Arg1165Cys (NM_015284.4); short protein forms R1165C, R1222C.
Identifiers: ClinVar variation 1002169 (VCV001002169.7), dbSNP rs1170190389, ClinGen allele CA340018786.